The following is an entry in ClinVar:

ClinVar aggregate classification (germline): Benign (1 of 4 stars; one submission).

Allele frequency attached by ClinVar (database versions not stated): gnomAD 0.75035 and 0.75131; 1000 Genomes Project 30x 0.78123; TOPMed 0.75321; 1000 Genomes Project 0.77895.
gnomAD v4.1: 114,416 of 152,200 alleles (75%); highest among the groups gnomAD compares: African/African-American, 82%; 43,201 homozygotes.

Submission:

GeneDx
Classification: Benign. Last evaluated: 2018-06-14. Review status: criteria provided, single submitter. Criteria: GeneDx Variant Classification (06012015). Collection method: clinical testing. Allele origin: germline. Affected: yes.
Comment: This variant is considered likely benign or benign based on one or more of the following criteria: it is a conservative change, it occurs at a poorly conserved position in the protein, it is predicted to be benign by multiple in silico algorithms, and/or has population frequency not consistent with disease.

NM_000093.5(COL5A1):c.4699-219A>G

Genes: COL5A1 (collagen type V alpha 1 chain; plus strand), LOC101448202 (uncharacterized LOC101448202; minus strand). Cytogenetic location: 9q34.3.
Variant type: single nucleotide variant.
Coding change: c.4699-219A>G on transcript NM_000093.5 (MANE Select); 219 bases into the intron before coding-DNA position 4699, A replaced by G.
Molecular consequence: intron variant.
Genome position (GRCh38, 1-based): chr9:134,824,381, A>G. VCF-style: chr9-134824381-A-G. GRCh37 (hg19) VCF-style: chr9-137716227-A-G.
Other names: c.4699-219A>G (NM_001278074.1).
Identifiers: ClinVar variation 672278 (VCV000672278.1), dbSNP rs3128602, ClinGen allele CA13060295.